The following is an entry in ClinVar:

NM_001165963.4(SCN1A):c.1573T>A (p.Ser525Thr)

Gene: SCN1A (sodium voltage-gated channel alpha subunit 1; minus strand). Cytogenetic location: 2q24.3.
Variant type: single nucleotide variant.
Coding change: c.1573T>A on transcript NM_001165963.4 (MANE Select); coding-DNA position 1573, T replaced by A.
Protein change: p.Ser525Thr; replaces serine 525 with threonine.
Molecular consequence: missense variant. On other transcripts: 5 prime UTR variant (1), non-coding transcript variant (1).
Genome position (GRCh38, 1-based): chr2:166,045,132, A>T on the plus strand (T>A on the coding strand, the complement: SCN1A is on the minus strand). VCF-style: chr2-166045132-A-T. GRCh37 (hg19) VCF-style: chr2-166901642-A-T.
Other names: c.1573T>A, p.Ser525Thr (NM_001165964.3, NM_001202435.3, NM_001353948.2 and 7 more transcripts); c.1570T>A, p.Ser524Thr (NM_001353954.2, NM_001353955.2, NM_001353960.2); c.-853T>A (NM_001353961.2); short protein forms S524T, S525T.
Identifiers: ClinVar variation 1390594 (VCV001390594.8), dbSNP rs2105850864, ClinGen allele CA349069306.

ClinVar aggregate classification (germline): Uncertain significance. Review status: criteria provided, multiple submitters, no conflicts (2 of 4 stars). 2 submissions from 2 submitters: Uncertain significance (2). Last evaluated 2024-08-10.

Conditions:
Early-infantile DEE. Also called: Early infantile epileptic encephalopathy with suppression bursts; Ohtahara syndrome; Early infantile epileptic encephalopathy. Identifiers: Orphanet 1934, MedGen C0393706, MONDO:0800491.
SCN1A-related disorder. Also called: SCN1A-related conditions; SCN1A-related condition; SCN1A-related disorders.

Submissions (2):

3billion
Classification: Uncertain significance for SCN1A-related disorder. Last evaluated: 2024-08-10. Review status: criteria provided, single submitter. Criteria: ACMG Guidelines, 2015. Collection method: clinical testing. Allele origin: germline. Affected: yes.
Comment: The variant is not observed in the gnomAD v4.0.0 dataset. Predicted Consequence/Location: Missense changes are a common disease-causing mechanism. In silico tool predictions suggest damaging effect of the variant on gene or gene product [REVEL: 0.24 (>=0.6, sensitivity 0.68 and specificity 0.92); 3Cnet: 0.99 (>=0.6, sensitivity 0.72 and precision 0.9)]. A different missense change at the same codon (p.Ser525Phe) has been reported to be associated with SCN1A-related disorder (ClinVar ID: VCV001447241 /PMID: 18930999). Therefore, this variant is classified as VUS according to the recommendation of ACMG/AMP guideline.

Labcorp Genetics (formerly Invitae), Labcorp
Classification: Uncertain significance for Early-infantile DEE. Last evaluated: 2023-12-18. Review status: criteria provided, single submitter. Criteria: Invitae Variant Classification Sherloc (09022015). Collection method: clinical testing. Allele origin: germline.
Comment: This sequence change replaces serine, which is neutral and polar, with threonine, which is neutral and polar, at codon 525 of the SCN1A protein (p.Ser525Thr). This variant is not present in population databases (gnomAD no frequency). This variant has not been reported in the literature in individuals affected with SCN1A-related conditions. ClinVar contains an entry for this variant (Variation ID: 1390594). Advanced modeling of protein sequence and biophysical properties (such as structural, functional, and spatial information, amino acid conservation, physicochemical variation, residue mobility, and thermodynamic stability) performed at Invitae indicates that this missense variant is not expected to disrupt SCN1A protein function with a negative predictive value of 95%. This variant disrupts the p.Ser525 amino acid residue in SCN1A. Other variant(s) that disrupt this residue have been determined to be pathogenic (PMID: 18930999). This suggests that this residue is clinically significant, and that variants that disrupt this residue are likely to be disease-causing. In summary, the available evidence is currently insufficient to determine the role of this variant in disease. Therefore, it has been classified as a Variant of Uncertain Significance.

Literature cited by the submitters: PubMed 18930999 (cited by 3billion and Labcorp Genetics (formerly Invitae), Labcorp).